The following is an entry in ClinVar:

NM_000020.3(ACVRL1):c.773-3C>G

Gene: ACVRL1 (activin A receptor like type 1; plus strand). Cytogenetic location: 12q13.13.
Variant type: single nucleotide variant.
Coding change: c.773-3C>G on transcript NM_000020.3 (MANE Select); 3 bases into the intron before coding-DNA position 773, C replaced by G.
Molecular consequence: intron variant.
Genome position (GRCh38, 1-based): chr12:51,915,222, C>G. VCF-style: chr12-51915222-C-G. GRCh37 (hg19) VCF-style: chr12-52309006-C-G.
Other names: c.773-3C>G (NM_001077401.2).
Identifiers: ClinVar variation 811204 (VCV000811204.8), dbSNP rs1592223964, ClinGen allele CA915948522.

ClinVar aggregate classification (germline): Likely pathogenic (1 of 4 stars; one submission).

Conditions:
Telangiectasia, hereditary hemorrhagic, type 2 (HHT2). Also called: Telangiectasia, hereditary hemorrhagic, type II; ACVRL1-Related Hereditary Hemorrhagic Telangiectasia. Identifiers: Orphanet 774, MedGen C1838163, MONDO:0010880, OMIM 600376. Disease mechanism: loss of function.

Allele frequency attached by ClinVar (database versions not stated): gnomAD exomes below 0.00001.

Submission:

ARUP Laboratories, Molecular Genetics and Genomics, ARUP Laboratories
Classification: Likely pathogenic for Telangiectasia, hereditary hemorrhagic, type 2. Last evaluated: 2018-12-01. Review status: criteria provided, single submitter. Criteria: ARUP Molecular Germline Variant Investigation Process. Collection method: clinical testing. Allele origin: germline.
Comment: The ACVRL1 c.773-3C>G variant has been described in at least one individual with hereditary hemorrhagic telangiectasia (HHT; Gedge 2007). It is absent from general population databases (1000 Genomes Project, Exome Variant Server, and Genome Aggregation Database), indicating it is not a common polymorphism. This is an intronic variant in a moderately conserved nucleotide, and computational analyses (Alamut v.2.11) predict that this variant may impact splicing by creating a novel cryptic acceptor splice site that would result in an out of frame protein product if preferentially used over the canonical acceptor splice site. Based on available information, this variant is considered likely pathogenic. REFERENCES Gedge F et al. Clinical and Analytical Sensitivities in Hereditary Hemorrhagic Telangiectasia Testing and a Report of de Novo Mutations. J Mol Diagn. 2007 Apr; 9(2): 258-265.